The following is an entry in ClinVar:

NM_006420.3(ARFGEF2):c.493A>G (p.Thr165Ala)

Gene: ARFGEF2 (ARF guanine nucleotide exchange factor 2; plus strand). Cytogenetic location: 20q13.13.
Variant type: single nucleotide variant.
Coding change: c.493A>G on transcript NM_006420.3 (MANE Select); coding-DNA position 493, A replaced by G.
Protein change: p.Thr165Ala; replaces threonine 165 with alanine.
Molecular consequence: missense variant.
Genome position (GRCh38, 1-based): chr20:48,952,774, A>G. VCF-style: chr20-48952774-A-G. GRCh37 (hg19) VCF-style: chr20-47569311-A-G.
Other names: short protein forms T165A.
Identifiers: ClinVar variation 210244 (VCV000210244.15), dbSNP rs148230420, ClinGen allele CA205639.

ClinVar aggregate classification (germline): Uncertain significance. Review status: criteria provided, multiple submitters, no conflicts (2 of 4 stars). 4 submissions from 4 submitters: Uncertain significance (4). Last evaluated 2024-09-25.

Allele frequency attached by ClinVar (database versions not stated): ExAC 0.00007; gnomAD 0.00014; gnomAD exomes 0.00016 and 0.00045; TOPMed 0.00017; ESP Exome Variant Server 0.00038.
gnomAD v4.1: 690 of 1,614,114 alleles (0.043%); highest among the groups gnomAD compares: Non-Finnish European, 0.055%; no homozygotes.

Submissions (4):

Blueprint Genetics
Classification: Uncertain significance. Last evaluated: 2024-09-25. Review status: criteria provided, single submitter. Criteria: ACMG Guidelines, 2015. Collection method: clinical testing. Allele origin: germline.

Labcorp Genetics (formerly Invitae), Labcorp
Classification: Uncertain significance. Last evaluated: 2022-06-20. Review status: criteria provided, single submitter. Criteria: Invitae Variant Classification Sherloc (09022015). Collection method: clinical testing. Allele origin: germline.
Comment: In summary, the available evidence is currently insufficient to determine the role of this variant in disease. Therefore, it has been classified as a Variant of Uncertain Significance. Algorithms developed to predict the effect of missense changes on protein structure and function are either unavailable or do not agree on the potential impact of this missense change (SIFT: "Deleterious"; PolyPhen-2: "Benign"; Align-GVGD: "Class C0"). ClinVar contains an entry for this variant (Variation ID: 210244). This variant has not been reported in the literature in individuals affected with ARFGEF2-related conditions. This variant is present in population databases (rs148230420, gnomAD 0.03%). This sequence change replaces threonine, which is neutral and polar, with alanine, which is neutral and non-polar, at codon 165 of the ARFGEF2 protein (p.Thr165Ala).

GeneDx
Classification: Uncertain significance. Last evaluated: 2020-02-20. Review status: criteria provided, single submitter. Criteria: GeneDx Variant Classification Process June 2021. Collection method: clinical testing. Allele origin: germline. Affected: yes.
Comment: In silico analysis supports that this missense variant has a deleterious effect on protein structure/function; Has not been previously published as pathogenic or benign to our knowledge

Genetic Services Laboratory, University of Chicago
Classification: Uncertain significance. Last evaluated: 2014-12-16. Review status: criteria provided, single submitter. Criteria: ACMG Guidelines, 2015. Collection method: clinical testing. Allele origin: germline.